The following is an entry in ClinVar:

NM_001903.5(CTNNA1):c.1083T>G (p.Ser361Arg)

Gene: CTNNA1 (catenin alpha 1; plus strand). Cytogenetic location: 5q31.2.
Variant type: single nucleotide variant.
Coding change: c.1083T>G on transcript NM_001903.5 (MANE Select); coding-DNA position 1083, T replaced by G.
Protein change: p.Ser361Arg; replaces serine 361 with arginine.
Molecular consequence: missense variant. On other transcripts: 5 prime UTR variant (26), intron variant (2).
Genome position (GRCh38, 1-based): chr5:138,886,232, T>G. VCF-style: chr5-138886232-T-G. GRCh37 (hg19) VCF-style: chr5-138221921-T-G.
Other names: c.1083T>G, p.Ser361Arg (NM_001290307.3, NM_001323982.2, NM_001323983.1 and 3 more transcripts); c.774T>G, p.Ser258Arg (NM_001290309.3); c.714T>G, p.Ser238Arg (NM_001290310.3); c.-28T>G (NM_001290312.1, NM_001323987.1, NM_001323988.1 and 18 more transcripts); c.-425T>G (NM_001324006.1, NM_001324007.1, NM_001324008.1 and 1 more transcripts); c.-300T>G (NM_001324013.1); c.-58+10635T>G (NM_001324012.1); c.-61+10635T>G (NM_001324010.1); short protein forms S238R, S361R, S258R.
Identifiers: ClinVar variation 961266 (VCV000961266.13), dbSNP rs990885234, ClinGen allele CA128237365.
Genomic context (GRCh38, chr5:138,886,232, plus strand): 5'-GTAAATGAATAAAATGCTCATCTCTTTTCCTTTTATCCAGGCTGGACGTAAAGAAAGAAG[T>G]GATGCACTCAATTCTGCAATAGATAAAATGACCAAGAAGACCAGGGACTTGCGTAGACAG-3'
Protein context (NP_001894.2, residues 351-371): YMGNAGRKER[Ser361Arg]DALNSAIDKM

ClinVar aggregate classification (germline): Uncertain significance. Review status: criteria provided, multiple submitters, no conflicts (2 of 4 stars). 2 submissions from 2 submitters: Uncertain significance (2). Last evaluated 2025-03-24.

Conditions:
Hereditary cancer-predisposing syndrome. Also called: Tumor predisposition; Hereditary neoplastic syndrome; Hereditary Cancer Syndrome; Neoplastic Syndromes, Hereditary. Identifiers: Orphanet 140162, MedGen C0027672, MeSH D009386, MONDO:0015356.

Allele frequency attached by ClinVar (database versions not stated): TOPMed below 0.00001.

Submissions (2):

Ambry Genetics
Classification: Uncertain significance for Hereditary cancer-predisposing syndrome. Last evaluated: 2025-03-24. Review status: criteria provided, single submitter. Criteria: Ambry Variant Classification Scheme 2023. Collection method: clinical testing. Allele origin: germline.
Comment: The p.S361R variant (also known as c.1083T>G), located in coding exon 7 of the CTNNA1 gene, results from a T to G substitution at nucleotide position 1083. The serine at codon 361 is replaced by arginine, an amino acid with dissimilar properties. This amino acid position is conserved. In addition, this alteration is predicted to be tolerated by in silico analysis. Based on the available evidence, the clinical significance of this variant remains unclear.

Labcorp Genetics (formerly Invitae), Labcorp
Classification: Uncertain significance. Last evaluated: 2023-05-29. Review status: criteria provided, single submitter. Criteria: Invitae Variant Classification Sherloc (09022015). Collection method: clinical testing. Allele origin: germline.
Comment: In summary, the available evidence is currently insufficient to determine the role of this variant in disease. Therefore, it has been classified as a Variant of Uncertain Significance. Advanced modeling of protein sequence and biophysical properties (such as structural, functional, and spatial information, amino acid conservation, physicochemical variation, residue mobility, and thermodynamic stability) performed at Invitae indicates that this missense variant is not expected to disrupt CTNNA1 protein function. ClinVar contains an entry for this variant (Variation ID: 961266). This variant has not been reported in the literature in individuals affected with CTNNA1-related conditions. This variant is not present in population databases (gnomAD no frequency). This sequence change replaces serine, which is neutral and polar, with arginine, which is basic and polar, at codon 361 of the CTNNA1 protein (p.Ser361Arg).